The following is an entry in ClinVar:

NM_006648.4(WNK2):c.6263C>A (p.Ser2088Tyr)

Gene: WNK2 (WNK lysine deficient protein kinase 2; plus strand). Cytogenetic location: 9q22.31.
Variant type: single nucleotide variant.
Coding change: c.6263C>A on transcript NM_006648.4 (MANE Select); coding-DNA position 6263, C replaced by A.
Protein change: p.Ser2088Tyr; replaces serine 2088 with tyrosine.
Molecular consequence: missense variant.
Genome position (GRCh38, 1-based): chr9:93,308,331, C>A. VCF-style: chr9-93308331-C-A. GRCh37 (hg19) VCF-style: chr9-96070613-C-A.
Other names: c.6374C>A, p.Ser2125Tyr (NM_001282394.3); short protein forms S2125Y, S2088Y.
Identifiers: ClinVar variation 3817191 (VCV003817191.1).

ClinVar aggregate classification (germline): Uncertain significance (1 of 4 stars; one submission).

gnomAD v4.1: 3 of 1,553,180 alleles (0.00019%); highest among the groups gnomAD compares: Admixed American, 0.0059%; no homozygotes.

Submission:

Ambry Genetics
Classification: Uncertain significance. Last evaluated: 2025-03-01. Review status: criteria provided, single submitter. Criteria: Ambry Variant Classification Scheme 2023. Collection method: clinical testing. Allele origin: germline.
Comment: The p.S2088Y variant (also known as c.6263C>A), located in coding exon 27 of the WNK2 gene, results from a C to A substitution at nucleotide position 6263. The serine at codon 2088 is replaced by tyrosine, an amino acid with dissimilar properties. This amino acid position is conserved. In addition, the in silico prediction for this alteration is inconclusive. Based on the available evidence, the clinical significance of this variant remains unclear.